The following is an entry in ClinVar:

ClinVar aggregate classification (germline): Uncertain significance. Review status: criteria provided, multiple submitters, no conflicts (2 of 4 stars). 4 submissions from 4 submitters: Uncertain significance (3). 1 of the submissions does not count toward it. Last evaluated 2025-08-09.

Conditions:
Nephronophthisis. Also called: Juvenile Nephronophthisis. Identifiers: Orphanet 655, MedGen C0687120, MONDO:0019005, HP:0000090.
Meckel-Gruber syndrome. Also called: DYSENCEPHALIA SPLANCHNOCYSTICA; GRUBER SYNDROME; Dysencephalia splachnocystica. Identifiers: Orphanet 564, MedGen C0265215, MONDO:0018921.
Joubert syndrome. Also called: CEREBELLOPARENCHYMAL DISORDER IV; JOUBERT-BOLTSHAUSER SYNDROME; Familial aplasia of the vermis. Identifiers: Orphanet 475, MedGen C5979921, MONDO:0018772.
Joubert syndrome 5 (JBTS5). Identifiers: Orphanet 2318, MedGen C1857780, MONDO:0012432, OMIM 610188.
Leber congenital amaurosis 10 (LCA10). Identifiers: Orphanet 65, MedGen C1857821, MONDO:0012723, OMIM 611755.
Senior-Loken syndrome 6 (SLSN6). Identifiers: Orphanet 3156, MedGen C1857779, MONDO:0012433, OMIM 610189.
Bardet-Biedl syndrome 14 (BBS14). Identifiers: Orphanet 110, MedGen C2673874, MONDO:0014442, OMIM 615991.
Meckel syndrome, type 4 (MKS4). Also called: MECKEL-GRUBER SYNDROME, TYPE 4. Identifiers: Orphanet 564, MedGen C1970161, MONDO:0012626, OMIM 611134.
CEP290-related disorder. Also called: CEP290-related disorders; CEP290-related condition. Identifiers: MedGen CN239314.
Inborn genetic diseases. Identifiers: MedGen C0950123, MeSH D030342.

Allele frequency attached by ClinVar (database versions not stated): ExAC 0.00004; gnomAD exomes 0.00004.
gnomAD v4.1: 8 of 1,562,192 alleles (0.00051%); highest among the groups gnomAD compares: Admixed American, 0.014%; no homozygotes.

Submissions (4):

Ambry Genetics
Classification: Uncertain significance for Inborn genetic diseases. Last evaluated: 2025-08-09. Review status: criteria provided, single submitter. Criteria: Ambry Variant Classification Scheme 2023. Collection method: clinical testing. Allele origin: germline.

Labcorp Genetics (formerly Invitae), Labcorp
Classification: Uncertain significance for Joubert syndrome; Meckel-Gruber syndrome; Nephronophthisis. Last evaluated: 2024-10-29. Review status: criteria provided, single submitter. Criteria: Invitae Variant Classification Sherloc (09022015). Collection method: clinical testing. Allele origin: germline.
Comment: This sequence change replaces isoleucine, which is neutral and non-polar, with valine, which is neutral and non-polar, at codon 740 of the CEP290 protein (p.Ile740Val). This variant is present in population databases (rs754736974, gnomAD 0.03%). This variant has not been reported in the literature in individuals affected with CEP290-related conditions. ClinVar contains an entry for this variant (Variation ID: 1495392). An algorithm developed to predict the effect of missense changes on protein structure and function outputs the following: PolyPhen-2: "Benign". The valine amino acid residue is found in multiple mammalian species, which suggests that this missense change does not adversely affect protein function. In summary, the available evidence is currently insufficient to determine the role of this variant in disease. Therefore, it has been classified as a Variant of Uncertain Significance.

Fulgent Genetics
Classification: Uncertain significance for Joubert syndrome 5; Senior-Loken syndrome 6; Meckel syndrome, type 4; Leber congenital amaurosis 10; Bardet-Biedl syndrome 14. Last evaluated: 2021-07-13. Review status: criteria provided, single submitter. Criteria: ACMG Guidelines, 2015. Collection method: clinical testing. Allele origin: unknown.

PreventionGenetics, part of Exact Sciences
Classification: Uncertain significance for CEP290-related condition. Last evaluated: 2024-05-20. Review status: no assertion criteria provided. Collection method: clinical testing. Allele origin: germline. Not counted in ClinVar's aggregate classification.
Comment: The CEP290 c.2218A>G variant is predicted to result in the amino acid substitution p.Ile740Val. However, this variant occurs at the first nucleotide within exon 22 and is predicted to result in the generation of a cryptic splice donor site at this location (Alamut Visual Plus v1.6.2). However, such computer predictions are imperfect and not equivalent to functional evidence. To our knowledge, this variant has not been reported in the literature. This variant is reported in 0.029% of alleles in individuals of Latino descent in gnomAD. At this time, the clinical significance of this variant is uncertain due to the absence of conclusive functional and genetic evidence.

NM_025114.4(CEP290):c.2218A>G (p.Ile740Val)

Gene: CEP290 (centrosomal protein 290; minus strand). Cytogenetic location: 12q21.32.
Variant type: single nucleotide variant.
Coding change: c.2218A>G on transcript NM_025114.4 (MANE Select); coding-DNA position 2218, A replaced by G.
Protein change: p.Ile740Val; replaces isoleucine 740 with valine.
Molecular consequence: missense variant.
Genome position (GRCh38, 1-based): chr12:88,111,351, T>C on the plus strand (A>G on the coding strand, the complement: CEP290 is on the minus strand). VCF-style: chr12-88111351-T-C. GRCh37 (hg19) VCF-style: chr12-88505128-T-C.
Other names: c.2218A>G (NM_025114.3); short protein forms I740V.
Identifiers: ClinVar variation 1495392 (VCV001495392.9), dbSNP rs754736974, ClinGen allele CA6712366.